The following is an entry in ClinVar:

ClinVar aggregate classification (germline): Uncertain significance (1 of 4 stars; one submission).

Submission:

Labcorp Genetics (formerly Invitae), Labcorp
Classification: Uncertain significance. Last evaluated: 2021-06-05. Review status: criteria provided, single submitter. Criteria: Invitae Variant Classification Sherloc (09022015). Collection method: clinical testing. Allele origin: germline.
Comment: This sequence change replaces arginine with glycine at codon 448 of the FSCN2 protein (p.Arg448Gly). The arginine residue is moderately conserved and there is a moderate physicochemical difference between arginine and glycine. This variant is not present in population databases (ExAC no frequency). This variant has not been reported in the literature in individuals with FSCN2-related conditions. Algorithms developed to predict the effect of missense changes on protein structure and function are either unavailable or do not agree on the potential impact of this missense change (SIFT: "Deleterious"; PolyPhen-2: "Possibly Damaging"; Align-GVGD: "Class C0"). In summary, the available evidence is currently insufficient to determine the role of this variant in disease. Therefore, it has been classified as a Variant of Uncertain Significance.

NM_012418.4(FSCN2):c.1270C>G (p.Arg424Gly)

Gene: FSCN2 (fascin actin-bundling protein 2, retinal; plus strand). Cytogenetic location: 17q25.3.
Variant type: single nucleotide variant.
Coding change: c.1270C>G on transcript NM_012418.4 (MANE Select); coding-DNA position 1270, C replaced by G.
Protein change: p.Arg424Gly; replaces arginine 424 with glycine.
Molecular consequence: missense variant.
Genome position (GRCh38, 1-based): chr17:81,536,786, C>G. VCF-style: chr17-81536786-C-G. GRCh37 (hg19) VCF-style: chr17-79503812-C-G.
Other names: c.1342C>G, p.Arg448Gly (NM_001077182.3); short protein forms R448G, R424G.
Identifiers: ClinVar variation 1398342 (VCV001398342.8), dbSNP rs776077090, ClinGen allele CA401478311.